The following is an entry in ClinVar:

ClinVar aggregate classification (germline): Likely benign (0 of 4 stars; one submission).

Conditions:
VHL-related disorder. Also called: VHL-related condition.

Submission:

PreventionGenetics, part of Exact Sciences
Classification: Likely benign for VHL-related condition. Last evaluated: 2020-02-05. Review status: no assertion criteria provided. Collection method: clinical testing. Allele origin: germline.
Comment: This variant is classified as likely benign based on ACMG/AMP sequence variant interpretation guidelines (Richards et al. 2015 PMID: 25741868, with internal and published modifications).

NM_000551.4(VHL):c.-28G>C

Gene: VHL (von Hippel-Lindau tumor suppressor; plus strand). Cytogenetic location: 3p25.3.
Variant type: single nucleotide variant.
Coding change: c.-28G>C on transcript NM_000551.4 (MANE Select); 28 bases upstream of the start codon, G replaced by C.
Molecular consequence: 5 prime UTR variant. On other transcripts: non-coding transcript variant (1).
Genome position (GRCh38, 1-based): chr3:10,141,820, G>C. VCF-style: chr3-10141820-G-C. GRCh37 (hg19) VCF-style: chr3-10183504-G-C.
Other names: c.-28G>C (NM_001354723.2, NM_198156.3).
Identifiers: ClinVar variation 3051890 (VCV003051890.2), dbSNP rs946136114, ClinGen allele CA70042038.